The following is an entry in ClinVar:

NM_000506.5(F2):c.*96C>T

Gene: F2 (coagulation factor II, thrombin; plus strand). Cytogenetic location: 11p11.2.
Variant type: single nucleotide variant.
Coding change: c.*96C>T on transcript NM_000506.5 (MANE Select); 96 bases downstream of the stop codon, C replaced by T.
Molecular consequence: 3 prime UTR variant.
Genome position (GRCh38, 1-based): chr11:46,739,504, C>T. VCF-style: chr11-46739504-C-T. GRCh37 (hg19) VCF-style: chr11-46761054-C-T.
Other names: 20209C>T; c.*96C>T (NM_000506.4).
Identifiers: ClinVar variation 143995 (VCV000143995.6), dbSNP rs72550707, ClinGen allele CA345765.

ClinVar aggregate classification (germline): Uncertain significance. Review status: criteria provided, multiple submitters, no conflicts (2 of 4 stars). 3 submissions from 3 submitters: Uncertain significance (2). 1 of the submissions does not count toward it. Last evaluated 2026-07-13.

Conditions:
Thrombophilia due to thrombin defect (THPH1). Also called: THROMBOPHILIA DUE TO FACTOR 2 DEFECT; Prothrombin-Related Thrombophilia (Factor II); Thrombosis susceptibility; Prothrombin Thrombophilia. Identifiers: MedGen C3160733, MONDO:0008559, OMIM 188050. Disease mechanism: gain of function, loss of function.
F2-related disorder. Also called: F2-related disorders; F2-related condition.

Allele frequency attached by ClinVar (database versions not stated): gnomAD exomes 0.00011; 1000 Genomes Project 0.00080; gnomAD 0.00087 and 0.00093; TOPMed 0.00091; 1000 Genomes Project 30x 0.00094.
gnomAD v4.1: 279 of 1,520,036 alleles (0.018%); highest among the groups gnomAD compares: African/African-American, 0.28%; no homozygotes.

Submissions (3):

PreventionGenetics, part of Exact Sciences
Classification: Uncertain significance for F2-related condition. Last evaluated: 2026-07-13. Review status: criteria provided, single submitter. Criteria: ACMG Guidelines, 2015. Collection method: clinical testing. Allele origin: germline.
Comment: The F2 c.*96C>T variant is located in the 3' untranslated region. This variant is alternatively referred to as F2 C20209T in the literature. This variant is adjacent to the c.*97G>A variant (G20210A) which has been established as a risk factor for thrombosis. The c.*96C>T variant has been identified in the heterozygous and homozygous states in many individuals with thrombosis (Warshawsky et al. 2009. PubMed ID: 19522744; Jourdi et al. 2020. PubMed ID: 32932543; Zamora Mur et al. 2015. PubMed ID: 24854192). However, small scale case control studies of the c.*96C>T variant have suggested that this variant is not significantly associated with thrombosis (Itakura et al. 2005. PubMed ID:16194213; Hooper et al. 2006. PubMed ID: 16469364; Arya et al. 2005. PubMed ID:15630510). Conflicting functional data exists for this variant with one study showing enhanced mRNA processing resulting in heightened FII protein levels and another showing decreased expression (Danckwardt et al. 2005. PubMed ID: 16689762; van der Putten et al. 2006. PubMed ID: 16796711). This variant is reported in 0.30% of alleles in individuals of African descent in gnomAD. At this time, the clinical significance of this variant is uncertain due to the absence of conclusive functional and genetic evidence.

GeneDx
Classification: Uncertain significance. Last evaluated: 2024-10-09. Review status: criteria provided, single submitter. Criteria: GeneDx Variant Classification Process June 2021. Collection method: clinical testing. Allele origin: germline. Affected: yes.
Comment: Located in a regulatory region; in the absence of functional studies, the actual effect of this sequence change is unknown; This variant is associated with the following publications: (PMID: 19522744, 16689762, 16796711, 24854192, 24627725, 12218454, 32932543)

GeneReviews
No classification provided. Condition: Thrombophilia due to thrombin defect. Review status: no classification provided. Collection method: literature only. Allele origin: germline. Not counted in ClinVar's aggregate classification.

Literature cited by the submitters: NCBI Bookshelf NBK1148 (cited by GeneReviews).